The following is an entry in ClinVar:

ClinVar aggregate classification (germline): Pathogenic (1 of 4 stars; one submission).

Submission:

Labcorp Genetics (formerly Invitae), Labcorp
Classification: Pathogenic. Last evaluated: 2020-05-20. Review status: criteria provided, single submitter. Criteria: Invitae Variant Classification Sherloc (09022015). Collection method: clinical testing. Allele origin: germline.
Comment: This variant has not been reported in the literature in individuals with ESCO2-related conditions. This variant is not present in population databases (ExAC no frequency). This sequence change creates a premature translational stop signal (p.Glu45Leufs*16) in the ESCO2 gene. It is expected to result in an absent or disrupted protein product. Loss-of-function variants in ESCO2 are known to be pathogenic (PMID: 15821733, 16380922). For these reasons, this variant has been classified as Pathogenic.

Literature cited by the submitters: PubMed 15821733; PubMed 16380922.

NM_001017420.3(ESCO2):c.133_143del (p.Glu45fs)

Gene: ESCO2 (establishment of sister chromatid cohesion N-acetyltransferase 2; plus strand). Cytogenetic location: 8p21.1.
Variant type: Deletion.
Coding change: c.133_143del on transcript NM_001017420.3 (MANE Select); coding-DNA positions 133 to 143, 11 bases deleted (GAAAACCTGCA).
Protein change: p.Glu45fs; shifts the reading frame from glutamic acid 45.
Molecular consequence: frameshift variant.
Genome position (GRCh38, 1-based): chr8:27,776,441-27,776,451, GAAAACCTGCA deleted; deleting any 11 consecutive bases within chr8:27,776,440-27,776,451 gives the same sequence; the c. name uses the placement nearest the transcript's 3' end. VCF-style (leftmost placement, unchanged base first): chr8-27776439-AAGAAAACCTGC-A. GRCh37 (hg19) VCF-style: chr8-27633956-AAGAAAACCTGC-A.
Other names: short protein forms E45fs.
Identifiers: ClinVar variation 1073674 (VCV001073674.5), dbSNP rs1467469512, ClinGen allele CA580674924.